The following is an entry in ClinVar:

NM_001199397.3(NEK1):c.1690A>G (p.Met564Val)

Gene: NEK1 (NIMA related kinase 1; minus strand). Cytogenetic location: 4q33.
Variant type: single nucleotide variant.
Coding change: c.1690A>G on transcript NM_001199397.3 (MANE Select); coding-DNA position 1690, A replaced by G.
Protein change: p.Met564Val; replaces methionine 564 with valine.
Molecular consequence: missense variant. On other transcripts: intron variant (10).
Genome position (GRCh38, 1-based): chr4:169,508,828, T>C on the plus strand (A>G on the coding strand, the complement: NEK1 is on the minus strand). VCF-style: chr4-169508828-T-C. GRCh37 (hg19) VCF-style: chr4-170429979-T-C.
Other names: c.1558A>G, p.Met520Val (NM_001199398.3, NM_001440622.1); c.1690A>G, p.Met564Val (NM_001374418.1, NM_001440620.1); c.913-497A>G (NM_001440625.1); c.1045-497A>G (NM_001440624.1); c.1540-497A>G (NM_001374421.1); c.1615-497A>G (NM_001374420.1); c.1459-497A>G (NM_001199399.3); c.1534-497A>G (NM_001440623.1, NM_001199400.3); and 1 more; short protein forms M520V, M564V.
Identifiers: ClinVar variation 4994092 (VCV004994092.1).
Genomic context (GRCh38, chr4:169,508,828, plus strand): 5'-CCTCTTCCTCTTTGTTTCTTGGCTTCCCTCCTCTTGAAGAGCTGGGCCTGCCTCCATACA[T>C]AGCTGCCAGGTTTTGCAGGATTCCCTGTTTATCATTTAATGTACTAAGTTTAAAGAATGA-3'
Protein context (NP_001186326.1, residues 554-574): HMGILQNLAA[Met564Val]YGGRPSSSRG

ClinVar aggregate classification (germline): Uncertain significance (1 of 4 stars; one submission).

Conditions:
NEK1-related disorder. Also called: NEK1-related condition.

gnomAD v4.1: 4 of 1,592,110 alleles (0.00025%); highest among the groups gnomAD compares: Non-Finnish European, 0.00034%; no homozygotes.

Submission:

PreventionGenetics, part of Exact Sciences
Classification: Uncertain significance for NEK1-related condition. Last evaluated: 2024-11-06. Review status: criteria provided, single submitter. Criteria: ACMG Guidelines, 2015. Collection method: clinical testing. Allele origin: germline.
Comment: The NEK1 c.1690A>G variant is predicted to result in the amino acid substitution p.Met564Val. To our knowledge, this variant has not been reported in the literature. This variant is reported in 0.00098% of alleles in individuals of European (Non-Finnish) descent in gnomAD. At this time, the clinical significance of this variant is uncertain due to the absence of conclusive functional and genetic evidence.